The following is an entry in ClinVar:

ClinVar aggregate classification (germline): Uncertain significance. Review status: criteria provided, multiple submitters, no conflicts (2 of 4 stars). 6 submissions from 6 submitters: Uncertain significance (5). 1 of the submissions does not count toward it. Last evaluated 2026-06-08.

Conditions:
PKD1-related disorder. Also called: PKD1-related condition.
Polycystic kidney disease, adult type (PKD1). Also called: POLYCYSTIC KIDNEY DISEASE 1 WITH OR WITHOUT POLYCYSTIC LIVER DISEASE; POLYCYSTIC KIDNEY DISEASE, ADULT, TYPE I; Polycystic Kidney Disease 1, Autosomal Dominant; Polycystic kidney disease 1; Polycystic kidney disease 1, severe; Polycystic Kidney, Autosomal Dominant. Identifiers: MedGen C3149841, MONDO:0008263, OMIM 173900.

Allele frequency attached by ClinVar (database versions not stated): gnomAD 0.00003; gnomAD exomes 0.00004 and 0.00006; ExAC 0.00006; TOPMed 0.00006.
gnomAD v4.1: 90 of 1,605,490 alleles (0.0056%); highest among the groups gnomAD compares: Admixed American, 0.0084%; no homozygotes.

Submissions (6):

PreventionGenetics, part of Exact Sciences
Classification: Uncertain significance for PKD1-related condition. Last evaluated: 2026-06-08. Review status: criteria provided, single submitter. Criteria: ACMG Guidelines, 2015. Collection method: clinical testing. Allele origin: germline.
Comment: The PKD1 c.6097G>A variant is predicted to result in the amino acid substitution p.Ala2033Thr. This variant, along with another PKD1 variant, has been reported in an individual with cystic kidney disease; both variants were inherited from a parent with a personal history of cystic kidney disease (Supplement Table 5, Bekheirnia et al. 2021. PubMed ID: 35368817). This variant is reported in 0.0085% of alleles in individuals of Latino descent in gnomAD. At this time, the clinical significance of this variant is uncertain due to the absence of conclusive functional and genetic evidence.

GeneDx
Classification: Uncertain significance. Last evaluated: 2025-04-11. Review status: criteria provided, single submitter. Criteria: GeneDx Variant Classification Process June 2021. Collection method: clinical testing. Allele origin: germline.
Comment: Reported with two additional PKD1 variants in a patient with cystic kidney disease in published literature; p.(A2033T) and p.(Q2354P) were inherited from the patient's affected father (PMID: 35368817); In silico analysis indicates that this missense variant does not alter protein structure/function; This variant is associated with the following publications: (PMID: 35368817)

Fulgent Genetics
Classification: Uncertain significance for Polycystic kidney disease, adult type. Last evaluated: 2024-05-29. Review status: criteria provided, single submitter. Criteria: ACMG Guidelines, 2015. Collection method: clinical testing. Allele origin: germline.

Blueprint Genetics
Classification: Uncertain significance. Last evaluated: 2023-10-18. Review status: criteria provided, single submitter. Criteria: ACMG Guidelines, 2015. Collection method: clinical testing. Allele origin: germline.

Baylor Genetics
Classification: Uncertain significance for Polycystic kidney disease, adult type. Last evaluated: 2018-07-29. Review status: criteria provided, single submitter. Criteria: ACMG Guidelines, 2015. Collection method: clinical testing. Allele origin: paternal. Affected: yes.
Comment: This variant was determined to be of uncertain significance according to ACMG Guidelines, 2015 [PMID:25741868].

Bioscientia Institut fuer Medizinische Diagnostik GmbH, Sonic Healthcare
Classification: Uncertain significance for Polycystic kidney disease, adult type. Last evaluated: 2017-04-20. Review status: no assertion criteria provided. Collection method: clinical testing. Allele origin: germline. Affected: yes. Not counted in ClinVar's aggregate classification.

NM_001009944.3(PKD1):c.6097G>A (p.Ala2033Thr)

Gene: PKD1 (polycystin 1, transient receptor potential channel interacting; minus strand). Cytogenetic location: 16p13.3.
Variant type: single nucleotide variant.
Coding change: c.6097G>A on transcript NM_001009944.3 (MANE Select); coding-DNA position 6097, G replaced by A.
Protein change: p.Ala2033Thr; replaces alanine 2033 with threonine.
Molecular consequence: missense variant.
Genome position (GRCh38, 1-based): chr16:2,109,070, C>T on the plus strand (G>A on the coding strand, the complement: PKD1 is on the minus strand). VCF-style: chr16-2109070-C-T. GRCh37 (hg19) VCF-style: chr16-2159071-C-T.
Other names: c.6097G>A, p.Ala2033Thr (NM_000296.4); short protein forms A2033T.
Identifiers: ClinVar variation 438719 (VCV000438719.9), dbSNP rs771364071, ClinGen allele CA7831724.